The following is an entry in ClinVar:

ClinVar aggregate classification (germline): Benign (0 of 4 stars; one submission).

Conditions:
CUL9-related disorder. Also called: CUL9-related condition.

Allele frequency attached by ClinVar (database versions not stated): gnomAD exomes 0.00033; ExAC 0.00075; gnomAD 0.00208; ESP Exome Variant Server 0.00215; TOPMed 0.00239; 1000 Genomes Project 0.00399; 1000 Genomes Project 30x 0.00406.

Submission:

PreventionGenetics, part of Exact Sciences
Classification: Benign for CUL9-related condition. Last evaluated: 2019-03-25. Review status: no assertion criteria provided. Collection method: clinical testing. Allele origin: germline.
Comment: This variant is classified as benign based on ACMG/AMP sequence variant interpretation guidelines (Richards et al. 2015 PMID: 25741868, with internal and published modifications).

NM_015089.4(CUL9):c.1750A>G (p.Thr584Ala)

Gene: CUL9 (cullin 9; plus strand). Cytogenetic location: 6p21.1.
Variant type: single nucleotide variant.
Coding change: c.1750A>G on transcript NM_015089.4 (MANE Select); coding-DNA position 1750, A replaced by G.
Protein change: p.Thr584Ala; replaces threonine 584 with alanine.
Molecular consequence: missense variant.
Genome position (GRCh38, 1-based): chr6:43,187,881, A>G. VCF-style: chr6-43187881-A-G. GRCh37 (hg19) VCF-style: chr6-43155619-A-G.
Other names: short protein forms T584A.
Identifiers: ClinVar variation 3049973 (VCV003049973.2), dbSNP rs61744817, ClinGen allele CA3817377.